The following is an entry in ClinVar:

NM_001271.4(CHD2):c.3069dup (p.Ala1024fs)

Gene: CHD2 (chromodomain helicase DNA binding protein 2; plus strand). Cytogenetic location: 15q26.1.
Variant type: Duplication.
Coding change: c.3069dup on transcript NM_001271.4 (MANE Select); coding-DNA position 3069, one base duplicated (T; older notation c.3069dupT).
Protein change: p.Ala1024fs; shifts the reading frame from alanine 1024.
Molecular consequence: frameshift variant.
Genome position (GRCh38, 1-based): chr15:92,984,332, T duplicated; the last of 2 consecutive T bases (chr15:92,984,331-92,984,332); duplicating either gives the same sequence. VCF-style (leftmost placement, unchanged base first): chr15-92984330-G-GT. GRCh37 (hg19) VCF-style: chr15-93527560-G-GT.
Other names: short protein forms A1024fs.
Identifiers: ClinVar variation 3381754 (VCV003381754.2).

ClinVar aggregate classification (germline): Likely pathogenic (1 of 4 stars; one submission).

Conditions:
Developmental and epileptic encephalopathy 94 (DEE94). Also called: CHD2-Related Neurodevelopmental Disorders; Epileptic encephalopathy, childhood-onset. Identifiers: Orphanet 1942, Orphanet 2382, MedGen C3809278, MONDO:0014150, OMIM 615369.

Submission:

Molecular Genetics Laboratory, Motol Hospital
Classification: Likely pathogenic for Developmental and epileptic encephalopathy 94. Last evaluated: 2024-11-27. Review status: criteria provided, single submitter. Criteria: ACMG Guidelines, 2015. Collection method: clinical testing. Allele origin: germline. Affected: yes. Observed: 1 variant allele.
Comment: Rare truncating loss-of-function variants affecting the CHD2 gene are documented as a molecular cause of autosomal dominant "developmental and epileptic encephalopathy 94" (DEE94, OMIM:615369) (PMID:24834135;28910737;35774528). To conclude, the variant is classified as likely pathogenic (ACMG PVS1, PM2).

Literature cited by the submitters: PubMed 24834135; PubMed 28910737; PubMed 35774528.